The following is an entry in ClinVar:

NM_020937.4(FANCM):c.1253G>C (p.Cys418Ser)

Gene: FANCM (FA complementation group M; plus strand). Cytogenetic location: 14q21.2.
Variant type: single nucleotide variant.
Coding change: c.1253G>C on transcript NM_020937.4 (MANE Select); coding-DNA position 1253, G replaced by C.
Protein change: p.Cys418Ser; replaces cysteine 418 with serine.
Molecular consequence: missense variant.
Genome position (GRCh38, 1-based): chr14:45,154,766, G>C. VCF-style: chr14-45154766-G-C. GRCh37 (hg19) VCF-style: chr14-45623969-G-C.
Other names: c.1175G>C, p.Cys392Ser (NM_001308133.2); c.1253G>C, p.Cys418Ser (NM_001308134.2); c.1253G>C (NM_020937.2); short protein forms C392S, C418S.
Identifiers: ClinVar variation 1361588 (VCV001361588.9), dbSNP rs527417380, ClinGen allele CA259616539.
Genomic context (GRCh38, chr14:45,154,766, plus strand): 5'-GGTCAAAAAATGAACTTGGCCGAAATGAAGACTTCATGAAACTCTATAATCATCTAGAGT[G>C]TATGTTTGCACGTACACGTAGTACTTCAGCAAATGGTATTTCTGCTATCCAACAAGGTCT-3'
Protein context (NP_065988.1, residues 408-428): DFMKLYNHLE[Cys418Ser]MFARTRSTSA

ClinVar aggregate classification (germline): Uncertain significance. Review status: criteria provided, multiple submitters, no conflicts (2 of 4 stars). 2 submissions from 2 submitters: Uncertain significance (2). Last evaluated 2025-02-17.

Conditions:
Inborn genetic diseases. Identifiers: MedGen C0950123, MeSH D030342.
Fanconi anemia (FA). Also called: Fanconi's anemia. Identifiers: Orphanet 84, MedGen C0015625, MeSH D005199, MONDO:0019391.

Allele frequency attached by ClinVar (database versions not stated): gnomAD exomes below 0.00001; gnomAD 0.00001; 1000 Genomes Project 0.00020; 1000 Genomes Project 30x 0.00031.
gnomAD v4.1: 1 of 1,602,846 alleles (0.000062%); highest among the groups gnomAD compares: Admixed American, 0.0017%; no homozygotes.

Submissions (2):

Labcorp Genetics (formerly Invitae), Labcorp
Classification: Uncertain significance for Fanconi anemia. Last evaluated: 2025-02-17. Review status: criteria provided, single submitter. Criteria: Invitae Variant Classification Sherloc (09022015). Collection method: clinical testing. Allele origin: germline.
Comment: This sequence change replaces cysteine, which is neutral and slightly polar, with serine, which is neutral and polar, at codon 418 of the FANCM protein (p.Cys418Ser). This variant is not present in population databases (gnomAD no frequency). This variant has not been reported in the literature in individuals affected with FANCM-related conditions. ClinVar contains an entry for this variant (Variation ID: 1361588). An algorithm developed to predict the effect of missense changes on protein structure and function outputs the following: PolyPhen-2: "Benign". The serine amino acid residue is found in multiple mammalian species, which suggests that this missense change does not adversely affect protein function. In summary, the available evidence is currently insufficient to determine the role of this variant in disease. Therefore, it has been classified as a Variant of Uncertain Significance.

Ambry Genetics
Classification: Uncertain significance for Inborn genetic diseases. Last evaluated: 2025-02-16. Review status: criteria provided, single submitter. Criteria: Ambry Variant Classification Scheme 2023. Collection method: clinical testing. Allele origin: germline.
Comment: The p.C418S variant (also known as c.1253G>C), located in coding exon 7 of the FANCM gene, results from a G to C substitution at nucleotide position 1253. The cysteine at codon 418 is replaced by serine, an amino acid with dissimilar properties. This amino acid position is conserved. In addition, this alteration is predicted to be tolerated by in silico analysis. Based on the available evidence, the clinical significance of this variant remains unclear.